The following is an entry in ClinVar:

NM_006341.4(MAD2L2):c.338A>C (p.Asp113Ala)

Gene: MAD2L2 (mitotic arrest deficient 2 like 2; minus strand). Cytogenetic location: 1p36.22.
Variant type: single nucleotide variant.
Coding change: c.338A>C on transcript NM_006341.4 (MANE Select); coding-DNA position 338, A replaced by C.
Protein change: p.Asp113Ala; replaces aspartic acid 113 with alanine.
Molecular consequence: missense variant.
Genome position (GRCh38, 1-based): chr1:11,676,135, T>G on the plus strand (A>C on the coding strand, the complement: MAD2L2 is on the minus strand). VCF-style: chr1-11676135-T-G. GRCh37 (hg19) VCF-style: chr1-11736192-T-G.
Other names: c.338A>C, p.Asp113Ala (NM_001127325.2); short protein forms D113A.
Identifiers: ClinVar variation 2634658 (VCV002634658.1), dbSNP rs2521914758, ClinGen allele CA338416426.

ClinVar aggregate classification (germline): Uncertain significance (1 of 4 stars; one submission).

Conditions:
MAD2L2-related disorder. Also called: MAD2L2-related condition.

Allele frequency attached by ClinVar (database versions not stated): gnomAD exomes below 0.00001.
gnomAD v4.1: 2 of 1,597,386 alleles (0.00013%); highest among the groups gnomAD compares: South Asian, 0.0022%; no homozygotes.

Submission:

PreventionGenetics, part of Exact Sciences
Classification: Uncertain significance for MAD2L2-related condition. Last evaluated: 2022-11-15. Review status: criteria provided, single submitter. Criteria: ACMG Guidelines, 2015. Collection method: clinical testing. Allele origin: germline.
Comment: The MAD2L2 c.338A>C variant is predicted to result in the amino acid substitution p.Asp113Ala. To our knowledge, this variant has not been reported in the literature or in a large population database, indicating this variant is rare. At this time, the clinical significance of this variant is uncertain due to the absence of conclusive functional and genetic evidence.